The following is an entry in ClinVar:

ClinVar aggregate classification (germline): Likely pathogenic (1 of 4 stars; one submission).

Conditions:
Autosomal recessive nonsyndromic hearing loss 3. Also called: NEUROSENSORY NONSYNDROMIC RECESSIVE DEAFNESS 3. Identifiers: Orphanet 90636, MedGen C1838263, MONDO:0010860, OMIM 600316.

Submission:

ENT and Head and Neck Research Center and Department,  The Five Senses Health Institute, Iran University of Medical Sciences
Classification: Likely pathogenic for Autosomal recessive nonsyndromic hearing loss 3. Last evaluated: 2024-11-02. Review status: criteria provided, single submitter. Criteria: ClinGen HL ACMG Specifications v1. Collection method: clinical testing. Allele origin: germline. Affected: yes.
Comment: PP3: MetaRNN = 0.971 is greater than 0.939 ⇒ strong pathogenic., PM2: Variant not found in gnomAD genomes, good gnomAD genomes coverage = 31.9: PP1: Segregation in one affected relative for recessive, PM1:UniProt protein MYO15_HUMAN domain 'Myosin motor' has 205 missense/in-frame variants (36 pathogenic variants, 161 uncertain variants and 8 benign variants), which qualifies as supporting pathogenic., PP5: Combined evidence strength is Supporting (score = 1).Supporting: ClinVar classifies this variant as Pathogenic

Literature cited by the submitters: DOI 10.1038/s41598-025-99417-7.

NM_016239.4(MYO15A):c.4313T>C (p.Leu1438Pro)

Gene: MYO15A (myosin XVA; plus strand). Cytogenetic location: 17p11.2.
Variant type: single nucleotide variant.
Coding change: c.4313T>C on transcript NM_016239.4 (MANE Select); coding-DNA position 4313, T replaced by C.
Protein change: p.Leu1438Pro; replaces leucine 1438 with proline.
Molecular consequence: missense variant.
Genome position (GRCh38, 1-based): chr17:18,132,559, T>C. VCF-style: chr17-18132559-T-C. GRCh37 (hg19) VCF-style: chr17-18035873-T-C.
Other names: short protein forms L1438P.
Identifiers: ClinVar variation 3370463 (VCV003370463.1).